The following is an entry in ClinVar:

ClinVar aggregate classification (germline): Uncertain significance (1 of 4 stars; one submission).

Allele frequency attached by ClinVar (database versions not stated): TOPMed below 0.00001; gnomAD 0.00001.
gnomAD v4.1: 3 of 1,614,022 alleles (0.00019%); highest among the groups gnomAD compares: Non-Finnish European, 0.000085%; no homozygotes.

Submission:

CeGaT Center for Human Genetics Tuebingen
Classification: Uncertain significance. Last evaluated: 2022-05-01. Review status: criteria provided, single submitter. Criteria: CeGaT Center For Human Genetics Tuebingen Variant Classification Criteria Version 2. Collection method: clinical testing. Allele origin: germline. Affected: yes. Observed: 1 variant allele.
Comment: ARID1B: PM2, BP4

NM_001374828.1(ARID1B):c.5503G>C (p.Asp1835His)

Gene: ARID1B (AT-rich interaction domain 1B; plus strand). Cytogenetic location: 6q25.3.
Variant type: single nucleotide variant.
Coding change: c.5503G>C on transcript NM_001374828.1 (MANE Select); coding-DNA position 5503, G replaced by C.
Protein change: p.Asp1835His; replaces aspartic acid 1835 with histidine.
Molecular consequence: missense variant.
Genome position (GRCh38, 1-based): chr6:157,206,275, G>C. VCF-style: chr6-157206275-G-C. GRCh37 (hg19) VCF-style: chr6-157527409-G-C.
Other names: c.5254G>C, p.Asp1752His (NM_001346813.1); c.3004G>C, p.Asp1002His (NM_001363725.2); c.5383G>C, p.Asp1795His (NM_001371656.1, NM_001374820.1); c.5344G>C, p.Asp1782His (NM_017519.3); c.5134G>C, p.Asp1712His (NM_020732.3); c.4921G>C, p.Asp1641His (NM_175863.2); short protein forms D1002H, D1641H, D1712H, D1752H, D1782H, D1795H, D1835H.
Identifiers: ClinVar variation 2657067 (VCV002657067.24), dbSNP rs1292719787, ClinGen allele CA366245726.
Genomic context (GRCh38, chr6:157,206,275, plus strand): 5'-ATTGACATTTTTGGAATTCTTATGGAATATGAAGTGGGAGACCCCAGCCAAAAAGCACTT[G>C]ATCACAACGCAGCAAGGAAGGATGACAGCCAGTCCTTGGCAGACGATTCTGGGAAAGAGG-3'
Protein context (NP_001361757.1, residues 1825-1845): EVGDPSQKAL[Asp1835His]HNAARKDDSQ